The following is an entry in ClinVar:

ClinVar aggregate classification (germline): Pathogenic (1 of 4 stars; one submission).

Conditions:
Congenital myasthenic syndrome 9. Also called: Myasthenic syndrome, congenital, 9, associated with acetylcholine receptor deficiency. Identifiers: Orphanet 590, MedGen C4225368, MONDO:0014587, OMIM 616325.
Fetal akinesia deformation sequence 1 (FADS1). Also called: Pena-Shokeir syndrome type I; Fetal akinesia sequence. Identifiers: Orphanet 994, MedGen C1276035, MONDO:0100101, OMIM 208150, HP:0001989.

Submission:

Labcorp Genetics (formerly Invitae), Labcorp
Classification: Pathogenic for Congenital myasthenic syndrome 9; Fetal akinesia deformation sequence 1. Last evaluated: 2023-09-12. Review status: criteria provided, single submitter. Criteria: Invitae Variant Classification Sherloc (09022015). Collection method: clinical testing. Allele origin: unknown.
Comment: This variant is a gross deletion of the genomic region encompassing exon(s) 10-11 of the MUSK gene. This deletion is out-of-frame, and is expected to create a premature termination codon and result in an absent or disrupted protein product. Loss-of-function variants in MUSK are known to be pathogenic (PMID: 8653786, 25612909, 25695962, 25900532). This variant has not been reported in the literature in individuals affected with MUSK-related conditions. For these reasons, this variant has been classified as Pathogenic.

Literature cited by the submitters: PubMed 8653786; PubMed 25612909; PubMed 25695962; PubMed 25900532.

NC_000009.11:g.(?_113538048)_(113538955_?)del

Gene: MUSK (muscle associated receptor tyrosine kinase; plus strand). Cytogenetic location: 9q31.3.
Variant type: Deletion.
Identifiers: ClinVar variation 3245264 (VCV003245264.1).